The following is an entry in ClinVar:

NM_001122752.2(SERPINI1):c.240C>G (p.Ser80Arg)

Gene: SERPINI1 (serpin family I member 1; plus strand). Cytogenetic location: 3q26.1.
Variant type: single nucleotide variant.
Coding change: c.240C>G on transcript NM_001122752.2 (MANE Select); coding-DNA position 240, C replaced by G.
Protein change: p.Ser80Arg; replaces serine 80 with arginine.
Molecular consequence: missense variant.
Genome position (GRCh38, 1-based): chr3:167,789,368, C>G. VCF-style: chr3-167789368-C-G. GRCh37 (hg19) VCF-style: chr3-167507156-C-G.
Other names: c.240C>G, p.Ser80Arg (NM_005025.5); short protein forms S80R.
Identifiers: ClinVar variation 1469994 (VCV001469994.8), dbSNP rs2108556439, ClinGen allele CA355155841.

ClinVar aggregate classification (germline): Uncertain significance (1 of 4 stars; one submission).

Conditions:
Familial encephalopathy with neuroserpin inclusion bodies. Also called: ENCEPHALOPATHY, FAMILIAL, WITH COLLINS BODIES. Identifiers: Orphanet 85110, MedGen C1858680, MONDO:0011412, OMIM 604218.

Submission:

Labcorp Genetics (formerly Invitae), Labcorp
Classification: Uncertain significance for Familial encephalopathy with neuroserpin inclusion bodies. Last evaluated: 2021-02-04. Review status: criteria provided, single submitter. Criteria: Invitae Variant Classification Sherloc (09022015). Collection method: clinical testing. Allele origin: germline.
Comment: Advanced modeling of protein sequence and biophysical properties (such as structural, functional, and spatial information, amino acid conservation, physicochemical variation, residue mobility, and thermodynamic stability) performed at Invitae indicates that this missense variant is not expected to disrupt SERPINI1 protein function. In summary, the available evidence is currently insufficient to determine the role of this variant in disease. Therefore, it has been classified as a Variant of Uncertain Significance. This variant has not been reported in the literature in individuals with SERPINI1-related conditions. This sequence change replaces serine with arginine at codon 80 of the SERPINI1 protein (p.Ser80Arg). The serine residue is moderately conserved and there is a moderate physicochemical difference between serine and arginine. This variant is not present in population databases (ExAC no frequency).